The following is an entry in ClinVar:

ClinVar aggregate classification (germline): Uncertain significance (0 of 4 stars; one submission).

Conditions:
PLXNA2-related disorder. Also called: PLXNA2-related condition.

Submission:

PreventionGenetics, part of Exact Sciences
Classification: Uncertain significance for PLXNA2-related condition. Last evaluated: 2024-04-17. Review status: no assertion criteria provided. Collection method: clinical testing. Allele origin: germline.
Comment: The PLXNA2 c.2426A>G variant is predicted to result in the amino acid substitution p.Glu809Gly. To our knowledge, this variant has not been reported in the literature or in a large population database, indicating this variant is rare. At this time, the clinical significance of this variant is uncertain due to the absence of conclusive functional and genetic evidence.

NM_025179.4(PLXNA2):c.2426A>G (p.Glu809Gly)

Gene: PLXNA2 (plexin A2; minus strand). Cytogenetic location: 1q32.2.
Variant type: single nucleotide variant.
Coding change: c.2426A>G on transcript NM_025179.4 (MANE Select); coding-DNA position 2426, A replaced by G.
Protein change: p.Glu809Gly; replaces glutamic acid 809 with glycine.
Molecular consequence: missense variant.
Genome position (GRCh38, 1-based): chr1:208,079,420, T>C on the plus strand (A>G on the coding strand, the complement: PLXNA2 is on the minus strand). VCF-style: chr1-208079420-T-C. GRCh37 (hg19) VCF-style: chr1-208252765-T-C.
Other names: short protein forms E809G.
Identifiers: ClinVar variation 3351319 (VCV003351319.1).